The following is an entry in ClinVar:

ClinVar aggregate classification (germline): Likely benign. Review status: criteria provided, multiple submitters, no conflicts (2 of 4 stars). 3 submissions from 3 submitters: Likely benign (3). Last evaluated 2026-06-01.

Conditions:
Combined immunodeficiency due to OX40 deficiency. Also called: Immunodeficiency 16; OX40 DEFICIENCY. Identifiers: Orphanet 431149, MedGen C3810053, MONDO:0014268, OMIM 615593.

Allele frequency attached by ClinVar (database versions not stated): gnomAD 0.00029; TOPMed 0.00034.

Submissions (3):

CeGaT Center for Human Genetics Tuebingen
Classification: Likely benign. Last evaluated: 2026-06-01. Review status: criteria provided, single submitter. Criteria: CeGaT Center For Human Genetics Tuebingen Variant Classification Criteria Version 2. Collection method: clinical testing. Allele origin: germline. Affected: yes. Observed: 1 variant allele.
Comment: TNFRSF4: BP4, BP7

Labcorp Genetics (formerly Invitae), Labcorp
Classification: Likely benign for Combined immunodeficiency due to OX40 deficiency. Last evaluated: 2025-08-29. Review status: criteria provided, single submitter. Criteria: Invitae Variant Classification Sherloc (09022015). Collection method: clinical testing. Allele origin: germline.

Blueprint Genetics
Classification: Likely benign. Last evaluated: 2024-11-25. Review status: criteria provided, single submitter. Criteria: ACMG Guidelines, 2015. Collection method: clinical testing. Allele origin: germline.

NM_003327.4(TNFRSF4):c.543C>T (p.Gly181=)

Gene: TNFRSF4 (TNF receptor superfamily member 4; minus strand). Cytogenetic location: 1p36.33.
Variant type: single nucleotide variant.
Coding change: c.543C>T on transcript NM_003327.4 (MANE Select); coding-DNA position 543, C replaced by T.
Protein change: p.Gly181=; no amino-acid change (glycine 181 retained).
Molecular consequence: synonymous variant.
Genome position (GRCh38, 1-based): chr1:1,212,033, G>A on the plus strand (C>T on the coding strand, the complement: TNFRSF4 is on the minus strand). VCF-style: chr1-1212033-G-A. GRCh37 (hg19) VCF-style: chr1-1147413-G-A.
Other names: c.543C>T, p.Gly181= (LRG_1319t1).
Identifiers: ClinVar variation 541651 (VCV000541651.11), dbSNP rs756542209, ClinGen allele CA512424.